The following is an entry in ClinVar:

NM_014014.5(SNRNP200):c.6037C>T (p.Arg2013Cys)

Gene: SNRNP200 (small nuclear ribonucleoprotein U5 subunit 200; minus strand). Cytogenetic location: 2q11.2.
Variant type: single nucleotide variant.
Coding change: c.6037C>T on transcript NM_014014.5 (MANE Select); coding-DNA position 6037, C replaced by T.
Protein change: p.Arg2013Cys; replaces arginine 2013 with cysteine.
Molecular consequence: missense variant.
Genome position (GRCh38, 1-based): chr2:96,277,136, G>A on the plus strand (C>T on the coding strand, the complement: SNRNP200 is on the minus strand). VCF-style: chr2-96277136-G-A. GRCh37 (hg19) VCF-style: chr2-96942874-G-A.
Other names: short protein forms R2013C.
Identifiers: ClinVar variation 894848 (VCV000894848.8), dbSNP rs935757494, ClinGen allele CA52385269.

ClinVar aggregate classification (germline): Uncertain significance. Review status: criteria provided, multiple submitters, no conflicts (2 of 4 stars). 2 submissions from 2 submitters: Uncertain significance (2). Last evaluated 2022-08-23.

Conditions:
Retinitis pigmentosa (RP). Identifiers: Orphanet 791, MedGen C0035334, MeSH D012174, MONDO:0019200, OMIM 268000. Inheritance: Autosomal dominant, autosomal recessive and X linked inheritance.

Allele frequency attached by ClinVar (database versions not stated): gnomAD exomes below 0.00001; TOPMed below 0.00001.
gnomAD v4.1: 12 of 1,614,212 alleles (0.00074%); highest among the groups gnomAD compares: Non-Finnish European, 0.00076%; no homozygotes.

Submissions (2):

Labcorp Genetics (formerly Invitae), Labcorp
Classification: Uncertain significance. Last evaluated: 2022-08-23. Review status: criteria provided, single submitter. Criteria: Invitae Variant Classification Sherloc (09022015). Collection method: clinical testing. Allele origin: germline.
Comment: This sequence change replaces arginine, which is basic and polar, with cysteine, which is neutral and slightly polar, at codon 2013 of the SNRNP200 protein (p.Arg2013Cys). This variant is present in population databases (no rsID available, gnomAD 0.0009%). This missense change has been observed in individual(s) with clinical features of retinitis pigmentosa (PMID: 31054281). ClinVar contains an entry for this variant (Variation ID: 894848). Algorithms developed to predict the effect of missense changes on protein structure and function are either unavailable or do not agree on the potential impact of this missense change (SIFT: "Deleterious"; PolyPhen-2: "Probably Damaging"; Align-GVGD: "Class C0"). In summary, the available evidence is currently insufficient to determine the role of this variant in disease. Therefore, it has been classified as a Variant of Uncertain Significance.

Illumina Laboratory Services, Illumina
Classification: Uncertain significance for Retinitis pigmentosa. Last evaluated: 2018-01-12. Review status: criteria provided, single submitter. Criteria: ICSL Variant Classification Criteria 13 December 2019. Collection method: clinical testing. Allele origin: germline.

Literature cited by the submitters: PubMed 31054281 (cited by Labcorp Genetics (formerly Invitae), Labcorp).